The following is an entry in ClinVar:

NM_001429.4(EP300):c.2870C>G (p.Thr957Ser)

Genes: EP300 (EP300 lysine acetyltransferase; plus strand), LOC126863158 (BRD4-independent group 4 enhancer GRCh37_chr22:41547383-41548582; plus strand). Cytogenetic location: 22q13.2.
Variant type: single nucleotide variant.
Coding change: c.2870C>G on transcript NM_001429.4 (MANE Select); coding-DNA position 2870, C replaced by G.
Protein change: p.Thr957Ser; replaces threonine 957 with serine.
Molecular consequence: missense variant.
Genome position (GRCh38, 1-based): chr22:41,151,885, C>G. VCF-style: chr22-41151885-C-G. GRCh37 (hg19) VCF-style: chr22-41547889-C-G.
Other names: c.2792C>G, p.Thr931Ser (NM_001362843.2); short protein forms T931S, T957S.
Identifiers: ClinVar variation 2653201 (VCV002653201.27), dbSNP rs774604668, ClinGen allele CA10252982.

ClinVar aggregate classification (germline): Conflicting classifications of pathogenicity. Review status: criteria provided, conflicting classifications (1 of 4 stars). 2 submissions from 2 submitters: Uncertain significance (1); Likely benign (1). Last evaluated 2023-08-01.

Conditions:
Rubinstein-Taybi syndrome due to EP300 haploinsufficiency. Also called: EP300-Related Rubinstein-Taybi Syndrome; RUBINSTEIN-TAYBI SYNDROME 2. Identifiers: Orphanet 353284, Orphanet 783, MedGen C3150941, MONDO:0013364, OMIM 613684.

Allele frequency attached by ClinVar (database versions not stated): ExAC 0.00001; gnomAD 0.00001; gnomAD exomes 0.00002.
gnomAD v4.1: 26 of 1,614,042 alleles (0.0016%); highest among the groups gnomAD compares: Non-Finnish European, 0.0022%; no homozygotes.

Submissions (2):

CeGaT Center for Human Genetics Tuebingen
Classification: Likely benign. Last evaluated: 2023-08-01. Review status: criteria provided, single submitter. Criteria: CeGaT Center For Human Genetics Tuebingen Variant Classification Criteria Version 2. Collection method: clinical testing. Allele origin: germline. Affected: yes. Observed: 1 variant allele.
Comment: EP300: BP4

Labcorp Genetics (formerly Invitae), Labcorp
Classification: Uncertain significance for Rubinstein-Taybi syndrome due to EP300 haploinsufficiency. Last evaluated: 2023-06-04. Review status: criteria provided, single submitter. Criteria: Invitae Variant Classification Sherloc (09022015). Collection method: clinical testing. Allele origin: germline.
Comment: In summary, the available evidence is currently insufficient to determine the role of this variant in disease. Therefore, it has been classified as a Variant of Uncertain Significance. Advanced modeling of protein sequence and biophysical properties (such as structural, functional, and spatial information, amino acid conservation, physicochemical variation, residue mobility, and thermodynamic stability) performed at Invitae indicates that this missense variant is not expected to disrupt EP300 protein function. This variant has not been reported in the literature in individuals affected with EP300-related conditions. This variant is present in population databases (rs774604668, gnomAD 0.004%). This sequence change replaces threonine, which is neutral and polar, with serine, which is neutral and polar, at codon 957 of the EP300 protein (p.Thr957Ser).